The following is an entry in ClinVar:

ClinVar aggregate classification (germline): Uncertain significance. Review status: criteria provided, multiple submitters, no conflicts (2 of 4 stars). 2 submissions from 2 submitters: Uncertain significance (2). Last evaluated 2024-07-03.

Conditions:
Intellectual developmental disorder, X-linked 1. Also called: Atkin Flaitz Patil Smith syndrome; MENTAL RETARDATION, X-LINKED 18; MENTAL RETARDATION, X-LINKED 78; Intellectual disability, X-linked 1. Identifiers: Orphanet 777, MedGen C2931498, MONDO:0010656, OMIM 309530.

Allele frequency attached by ClinVar (database versions not stated): gnomAD exomes below 0.00001; TOPMed 0.00002; gnomAD 0.00002.
gnomAD v4.1: 4 of 1,199,157 alleles (0.00033%); highest among the groups gnomAD compares: African/African-American, 0.0052%; no homozygotes.

Submissions (2):

Labcorp Genetics (formerly Invitae), Labcorp
Classification: Uncertain significance for Intellectual developmental disorder, X-linked 1. Last evaluated: 2024-07-03. Review status: criteria provided, single submitter. Criteria: Invitae Variant Classification Sherloc (09022015). Collection method: clinical testing. Allele origin: germline.
Comment: This sequence change replaces arginine, which is basic and polar, with tryptophan, which is neutral and slightly polar, at codon 1103 of the IQSEC2 protein (p.Arg1103Trp). The frequency data for this variant in the population databases is considered unreliable, as metrics indicate poor data quality at this position in the gnomAD database. This variant has not been reported in the literature in individuals affected with IQSEC2-related conditions. ClinVar contains an entry for this variant (Variation ID: 842145). Advanced modeling of protein sequence and biophysical properties (such as structural, functional, and spatial information, amino acid conservation, physicochemical variation, residue mobility, and thermodynamic stability) has been performed at Invitae for this missense variant, however the output from this modeling did not meet the statistical confidence thresholds required to predict the impact of this variant on IQSEC2 protein function. In summary, the available evidence is currently insufficient to determine the role of this variant in disease. Therefore, it has been classified as a Variant of Uncertain Significance.

Neurometabolic Diseases Laboratory, Bellvitge Biomedical Research Institute (IDIBELL)
Classification: Uncertain significance for Intellectual developmental disorder, X-linked 1. Last evaluated: 2023-04-27. Review status: criteria provided, single submitter. Criteria: ACMG Guidelines, 2015. Collection method: research. Allele origin: germline. Affected: yes.

NM_001111125.3(IQSEC2):c.3307C>T (p.Arg1103Trp)

Gene: IQSEC2 (IQ motif and Sec7 domain ArfGEF 2; minus strand). Cytogenetic location: Xp11.22.
Variant type: single nucleotide variant.
Coding change: c.3307C>T on transcript NM_001111125.3 (MANE Select); coding-DNA position 3307, C replaced by T.
Protein change: p.Arg1103Trp; replaces arginine 1103 with tryptophan.
Molecular consequence: missense variant.
Genome position (GRCh38, 1-based): chrX:53,236,466, G>A on the plus strand (C>T on the coding strand, the complement: IQSEC2 is on the minus strand). VCF-style: chrX-53236466-G-A. GRCh37 (hg19) VCF-style: chrX-53265648-G-A.
Other names: c.2692C>T, p.Arg898Trp (NM_015075.2); short protein forms R898W, R1103W.
Identifiers: ClinVar variation 842145 (VCV000842145.36), dbSNP rs868950692, ClinGen allele CA413145438.
Genomic context (GRCh38, chrX:53,236,466, plus strand): 5'-TGCGGGCCATCGTCCCATTCACTGAGTCCTTGGCCCCTCCAGGCTGTGAGGCGTTAGGCC[G>A]CATCATACCTTTCTGCTTCTCCAGCTCCGCTGGGTGGCAGTCGGGGAGACAGGGAGCAAA-3'
Protein context (NP_001104595.1, residues 1093-1113): SELEKQKGMM[Arg1103Trp]PNASQPGGAK